The following is an entry in ClinVar:

NM_003718.5(CDK13):c.2866dup (p.Tyr956fs)

Gene: CDK13 (cyclin dependent kinase 13; plus strand). Cytogenetic location: 7p14.1.
Variant type: Duplication.
Coding change: c.2866dup on transcript NM_003718.5 (MANE Select); coding-DNA position 2866, one base duplicated (T; older notation c.2866dupT).
Protein change: p.Tyr956fs; shifts the reading frame from tyrosine 956.
Molecular consequence: frameshift variant.
Genome position (GRCh38, 1-based): chr7:40,078,090, T duplicated. VCF-style (leftmost placement, unchanged base first): chr7-40078089-A-AT. GRCh37 (hg19) VCF-style: chr7-40117688-A-AT.
Other names: c.2866dup, p.Tyr956Leufs (NM_031267.4); c.2866dupT (NM_003718.4); short protein forms Y956fs.
Identifiers: ClinVar variation 504105 (VCV000504105.2), dbSNP rs1554337120, ClinGen allele CA658796922.

ClinVar aggregate classification (germline): Uncertain significance (1 of 4 stars; one submission).

Submission:

GeneDx
Classification: Uncertain significance. Last evaluated: 2018-01-26. Review status: criteria provided, single submitter. Criteria: GeneDx Variant Classification (06012015). Collection method: clinical testing. Allele origin: germline. Affected: yes.
Comment: The c.2866dupT variant in the CDK13 gene has not been reported previously as a pathogenic variant nor as a benign variant, to our knowledge. The c.2866dupT variant causes a frameshift starting with codon Tyrosine 956, changes this amino acid to a Leucine residue, and creates a premature Stop codon at position 21 of the new reading frame, denoted p.Tyr956LeufsX21. This variant is predicted to cause loss of normal protein function either through protein truncation or nonsense-mediated mRNA decay. The c.2866dupT variant is not observed in large population cohorts (Lek et al., 2016). We interpret c.2866dupT as a variant of uncertain significance.